The following is an entry in ClinVar:

ClinVar aggregate classification (germline): Uncertain significance. Review status: criteria provided, multiple submitters, no conflicts (2 of 4 stars). 2 submissions from 2 submitters: Uncertain significance (2). Last evaluated 2025-12-03.

Conditions:
Aortic valve disease 2 (AOVD2). Identifiers: MedGen C3542024, MONDO:0013902, OMIM 614823.
Inborn genetic diseases. Identifiers: MedGen C0950123, MeSH D030342.

gnomAD v4.1: 12 of 1,473,874 alleles (0.00081%); highest among the groups gnomAD compares: East Asian, 0.012%; no homozygotes.

Submissions (2):

Labcorp Genetics (formerly Invitae), Labcorp
Classification: Uncertain significance for Aortic valve disease 2. Last evaluated: 2025-12-03. Review status: criteria provided, single submitter. Criteria: Invitae Variant Classification Sherloc (09022015). Collection method: clinical testing. Allele origin: germline.
Comment: This sequence change replaces aspartic acid, which is acidic and polar, with glycine, which is neutral and non-polar, at codon 36 of the SMAD6 protein (p.Asp36Gly). This variant is present in population databases (rs763029325, gnomAD 0.03%). This variant has not been reported in the literature in individuals affected with SMAD6-related conditions. ClinVar contains an entry for this variant (Variation ID: 1403706). An algorithm developed to predict the effect of missense changes on protein structure and function (PolyPhen-2) suggests that this variant is likely to be tolerated. In summary, the available evidence is currently insufficient to determine the role of this variant in disease. Therefore, it has been classified as a Variant of Uncertain Significance.

Ambry Genetics
Classification: Uncertain significance for Inborn genetic diseases. Last evaluated: 2025-07-09. Review status: criteria provided, single submitter. Criteria: Ambry Variant Classification Scheme 2023. Collection method: clinical testing. Allele origin: germline.
Comment: The p.D36G variant (also known as c.107A>G), located in coding exon 1 of the SMAD6 gene, results from an A to G substitution at nucleotide position 107. The aspartic acid at codon 36 is replaced by glycine, an amino acid with similar properties. This amino acid position is conserved. In addition, this alteration is predicted to be tolerated by in silico analysis. Since supporting evidence is limited at this time, the clinical significance of this alteration remains unclear.

NM_005585.5(SMAD6):c.107A>G (p.Asp36Gly)

Gene: SMAD6 (SMAD family member 6; plus strand). Cytogenetic location: 15q22.31.
Variant type: single nucleotide variant.
Coding change: c.107A>G on transcript NM_005585.5 (MANE Select); coding-DNA position 107, A replaced by G.
Protein change: p.Asp36Gly; replaces aspartic acid 36 with glycine.
Molecular consequence: missense variant. On other transcripts: non-coding transcript variant (1).
Genome position (GRCh38, 1-based): chr15:66,703,365, A>G. VCF-style: chr15-66703365-A-G. GRCh37 (hg19) VCF-style: chr15-66995703-A-G.
Other names: short protein forms D36G.
Identifiers: ClinVar variation 1403706 (VCV001403706.10), dbSNP rs763029325, ClinGen allele CA7626438.
Genomic context (GRCh38, chr15:66,703,365, plus strand): 5'-GTCGTGTGGTCCCCGACCGGGAGGAAGGCGGCAGCGGCGGCGGCGGTGGCGGCGACGAGG[A>G]TGGGAGCTTGGGCAGCCGAGCTGAGCCGGCCCCGCGGGCAAGAGAGGGCGGAGGCTGCGG-3'
Protein context (NP_005576.3, residues 26-46): GSGGGGGGDE[Asp36Gly]GSLGSRAEPA